The following is an entry in ClinVar:

ClinVar aggregate classification (germline): Uncertain significance (1 of 4 stars; one submission).

Conditions:
Neuropathy, hereditary sensory and autonomic, type 2A (HSAN2A). Also called: ACROOSTEOLYSIS, GIACCAI TYPE; ACROOSTEOLYSIS, NEUROGENIC; MORVAN DISEASE; NEUROPATHY, CONGENITAL SENSORY; NEUROPATHY, HEREDITARY SENSORY RADICULAR, AUTOSOMAL RECESSIVE; NEUROPATHY, HEREDITARY SENSORY, TYPE IIA. Identifiers: Orphanet 970, MedGen C2752089, MONDO:0024309, OMIM 201300.
Generalized epilepsy with febrile seizures plus, type 7 (GEFSP7). Also called: GEFS+, TYPE 7. Identifiers: Orphanet 36387, MedGen C2751778, MONDO:0013470, OMIM 613863.

Allele frequency attached by ClinVar (database versions not stated): gnomAD exomes below 0.00001.
gnomAD v4.1: 1 of 1,553,394 alleles (0.000064%); highest among the groups gnomAD compares: South Asian, 0.0013%; no homozygotes.

Submission:

Labcorp Genetics (formerly Invitae), Labcorp
Classification: Uncertain significance for Neuropathy, hereditary sensory and autonomic, type 2A; Generalized epilepsy with febrile seizures plus, type 7. Last evaluated: 2022-12-02. Review status: criteria provided, single submitter. Criteria: Invitae Variant Classification Sherloc (09022015). Collection method: clinical testing. Allele origin: germline.
Comment: This sequence change replaces aspartic acid, which is acidic and polar, with asparagine, which is neutral and polar, at codon 1202 of the SCN9A protein (p.Asp1202Asn). In summary, the available evidence is currently insufficient to determine the role of this variant in disease. Therefore, it has been classified as a Variant of Uncertain Significance. Advanced modeling of protein sequence and biophysical properties (such as structural, functional, and spatial information, amino acid conservation, physicochemical variation, residue mobility, and thermodynamic stability) has been performed at Invitae for this missense variant, however the output from this modeling did not meet the statistical confidence thresholds required to predict the impact of this variant on SCN9A protein function. This variant has not been reported in the literature in individuals affected with SCN9A-related conditions. This variant is not present in population databases (gnomAD no frequency).

NM_001365536.1(SCN9A):c.3637G>A (p.Asp1213Asn)

Genes: SCN9A (sodium voltage-gated channel alpha subunit 9; minus strand), SCN1A-AS1 (SCN1A and SCN9A antisense RNA 1; plus strand). Cytogenetic location: 2q24.3.
Variant type: single nucleotide variant.
Coding change: c.3637G>A on transcript NM_001365536.1 (MANE Select); coding-DNA position 3637, G replaced by A.
Protein change: p.Asp1213Asn; replaces aspartic acid 1213 with asparagine.
Molecular consequence: missense variant.
Genome position (GRCh38, 1-based): chr2:166,238,258, C>T on the plus strand (G>A on the coding strand, the complement: SCN9A is on the minus strand). VCF-style: chr2-166238258-C-T. GRCh37 (hg19) VCF-style: chr2-167094768-C-T.
Other names: c.3604G>A, p.Asp1202Asn (NM_002977.4); short protein forms D1213N, D1202N.
Identifiers: ClinVar variation 2939315 (VCV002939315.3), dbSNP rs1216048175, ClinGen allele CA349069002.
Genomic context (GRCh38, chr2:166,238,258, plus strand): 5'-AGATCTTGTCTGCATACTCCAGGATAATCTTAATGGTCTTTTTCCTTTCAATATAAATAT[C>T]TTCAAAAGCCTGTGGAAATAATATTCAAGTTTCAATCATGCACAACTTAAGCTTCATGAT-3'
Protein context (NP_001352465.1, residues 1203-1223): LLSSGALAFE[Asp1213Asn]IYIERKKTIK